The following is an entry in ClinVar:

NM_001369268.1(ACAN):c.2017T>C (p.Cys673Arg)

Gene: ACAN (aggrecan; plus strand). Cytogenetic location: 15q26.1.
Variant type: single nucleotide variant.
Coding change: c.2017T>C on transcript NM_001369268.1 (MANE Select); coding-DNA position 2017, T replaced by C.
Protein change: p.Cys673Arg; replaces cysteine 673 with arginine.
Molecular consequence: missense variant.
Genome position (GRCh38, 1-based): chr15:88,849,722, T>C. VCF-style: chr15-88849722-T-C. GRCh37 (hg19) VCF-style: chr15-89392953-T-C.
Other names: c.2017T>C, p.Cys673Arg (NM_001135.4, NM_001411096.1, NM_001411097.1 and 1 more transcripts); short protein forms C673R.
Identifiers: ClinVar variation 3644218 (VCV003644218.2).

ClinVar aggregate classification (germline): Uncertain significance (1 of 4 stars; one submission).

Submission:

Labcorp Genetics (formerly Invitae), Labcorp
Classification: Uncertain significance. Last evaluated: 2024-06-17. Review status: criteria provided, single submitter. Criteria: Invitae Variant Classification Sherloc (09022015). Collection method: clinical testing. Allele origin: germline.
Comment: This sequence change replaces cysteine, which is neutral and slightly polar, with arginine, which is basic and polar, at codon 673 of the ACAN protein (p.Cys673Arg). This variant is not present in population databases (gnomAD no frequency). This variant has not been reported in the literature in individuals affected with ACAN-related conditions. Advanced modeling of protein sequence and biophysical properties (such as structural, functional, and spatial information, amino acid conservation, physicochemical variation, residue mobility, and thermodynamic stability) performed at Invitae indicates that this missense variant is not expected to disrupt ACAN protein function with a negative predictive value of 80%. In summary, the available evidence is currently insufficient to determine the role of this variant in disease. Therefore, it has been classified as a Variant of Uncertain Significance.